The following is an entry in ClinVar:

NM_000132.4(F8):c.5999-1G>A

Gene: F8 (coagulation factor VIII; minus strand). Cytogenetic location: Xq28.
Variant type: single nucleotide variant.
Coding change: c.5999-1G>A on transcript NM_000132.4 (MANE Select); the canonical splice acceptor site of the intron before coding-DNA position 5999, G replaced by A.
Molecular consequence: splice acceptor variant.
Genome position (GRCh38, 1-based): chrX:154,902,168, C>T on the plus strand (G>A on the coding strand, the complement: F8 is on the minus strand). VCF-style: chrX-154902168-C-T. GRCh37 (hg19) VCF-style: chrX-154130443-C-T.
Identifiers: ClinVar variation 3061357 (VCV003061357.2), dbSNP rs2523882193, ClinGen allele CA414905232.

ClinVar aggregate classification (germline): Likely pathogenic (0 of 4 stars; one submission).

Conditions:
F8-related disorder. Also called: F8-related condition.

Submission:

PreventionGenetics, part of Exact Sciences
Classification: Likely pathogenic for F8-related condition. Last evaluated: 2024-02-07. Review status: no assertion criteria provided. Collection method: clinical testing. Allele origin: germline.
Comment: The F8 c.5999-1G>A variant is predicted to disrupt the AG splice acceptor site and interfere with normal splicing. To our knowledge, this variant has not been reported in the literature or in a large population database, indicating this variant is rare. Variants that disrupt the consensus splice acceptor site in F8 are expected to be pathogenic. This variant is interpreted as likely pathogenic.